The following is an entry in ClinVar:

ClinVar aggregate classification (germline): Conflicting classifications of pathogenicity. Review status: criteria provided, conflicting classifications (1 of 4 stars). 2 submissions from 2 submitters: Uncertain significance (1); Likely benign (1). Last evaluated 2024-08-08.

Conditions:
Hereditary cancer-predisposing syndrome. Also called: Hereditary Cancer Syndrome; Neoplastic Syndromes, Hereditary; Tumor predisposition; Hereditary neoplastic syndrome. Identifiers: Orphanet 140162, MedGen C0027672, MeSH D009386, MONDO:0015356.
Ataxia-telangiectasia syndrome (AT). Also called: Ataxia telangiectasia (A-T); Ataxia-telangiectasia, complementation group E; LOUIS-BAR SYNDROME; Cerebello-oculocutaneous telangiectasia; Immunodeficiency with ataxia telangiectasia; Ataxia-telangiectasia, complementation group D. Identifiers: Orphanet 100, MedGen C0004135, MONDO:0008840, OMIM 208900.

Submissions (2):

Labcorp Genetics (formerly Invitae), Labcorp
Classification: Uncertain significance for Ataxia-telangiectasia syndrome. Last evaluated: 2024-08-08. Review status: criteria provided, single submitter. Criteria: Invitae Variant Classification Sherloc (09022015). Collection method: clinical testing. Allele origin: germline.
Comment: This sequence change replaces lysine, which is basic and polar, with arginine, which is basic and polar, at codon 387 of the ATM protein (p.Lys387Arg). This variant is not present in population databases (gnomAD no frequency). This variant has not been reported in the literature in individuals affected with ATM-related conditions. ClinVar contains an entry for this variant (Variation ID: 232423). An algorithm developed to predict the effect of missense changes on protein structure and function outputs the following: PolyPhen-2: "Benign". The arginine amino acid residue is found in multiple mammalian species, which suggests that this missense change does not adversely affect protein function. In summary, the available evidence is currently insufficient to determine the role of this variant in disease. Therefore, it has been classified as a Variant of Uncertain Significance.

Ambry Genetics
Classification: Likely benign for Hereditary cancer-predisposing syndrome. Last evaluated: 2015-06-23. Review status: criteria provided, single submitter. Criteria: Ambry Variant Classification Scheme 2023. Collection method: clinical testing. Allele origin: germline.

NM_000051.4(ATM):c.1160A>G (p.Lys387Arg)

Gene: ATM (ATM serine/threonine kinase; plus strand). Cytogenetic location: 11q22.3.
Variant type: single nucleotide variant.
Coding change: c.1160A>G on transcript NM_000051.4 (MANE Select); coding-DNA position 1160, A replaced by G.
Protein change: p.Lys387Arg; replaces lysine 387 with arginine.
Molecular consequence: missense variant.
Genome position (GRCh38, 1-based): chr11:108,249,027, A>G. VCF-style: chr11-108249027-A-G. GRCh37 (hg19) VCF-style: chr11-108119754-A-G.
Other names: c.1160A>G, p.Lys387Arg (NM_001351834.2); short protein forms K387R.
Identifiers: ClinVar variation 232423 (VCV000232423.13), dbSNP rs876659755, ClinGen allele CA10578996.